The following is an entry in ClinVar:

ClinVar aggregate classification (germline): Uncertain significance (1 of 4 stars; one submission).

Conditions:
EGFR-related lung cancer (EGFR). Identifiers: MedGen CN130014.

Submission:

Labcorp Genetics (formerly Invitae), Labcorp
Classification: Uncertain significance for EGFR-related lung cancer. Last evaluated: 2024-08-14. Review status: criteria provided, single submitter. Criteria: Invitae Variant Classification Sherloc (09022015). Collection method: clinical testing. Allele origin: germline.
Comment: This sequence change replaces proline, which is neutral and non-polar, with serine, which is neutral and polar, at codon 520 of the EGFR protein (p.Pro520Ser). This variant is not present in population databases (gnomAD no frequency). This variant has not been reported in the literature in individuals affected with EGFR-related conditions. Invitae Evidence Modeling of protein sequence and biophysical properties (such as structural, functional, and spatial information, amino acid conservation, physicochemical variation, residue mobility, and thermodynamic stability) has been performed for this missense variant. However, the output from this modeling did not meet the statistical confidence thresholds required to predict the impact of this variant on EGFR protein function. In summary, the available evidence is currently insufficient to determine the role of this variant in disease. Therefore, it has been classified as a Variant of Uncertain Significance.

NM_005228.5(EGFR):c.1558C>T (p.Pro520Ser)

Gene: EGFR (epidermal growth factor receptor; plus strand). Cytogenetic location: 7p11.2.
Variant type: single nucleotide variant.
Coding change: c.1558C>T on transcript NM_005228.5 (MANE Select); coding-DNA position 1558, C replaced by T.
Protein change: p.Pro520Ser; replaces proline 520 with serine.
Molecular consequence: missense variant.
Genome position (GRCh38, 1-based): chr7:55,161,558, C>T. VCF-style: chr7-55161558-C-T. GRCh37 (hg19) VCF-style: chr7-55229251-C-T.
Other names: c.1423C>T, p.Pro475Ser (NM_001346897.2, NM_001346899.2); c.1558C>T, p.Pro520Ser (NM_001346898.2, NM_201282.2, NM_201284.2); c.1399C>T, p.Pro467Ser (NM_001346900.2); c.757C>T, p.Pro253Ser (NM_001346941.2); short protein forms P467S, P475S, P253S, P520S.
Identifiers: ClinVar variation 3662321 (VCV003662321.2).